The following is an entry in ClinVar:

NM_001083961.2(WDR62):c.4561C>T (p.Arg1521Trp)

Gene: WDR62 (WD repeat domain 62; plus strand). Cytogenetic location: 19q13.12.
Variant type: single nucleotide variant.
Coding change: c.4561C>T on transcript NM_001083961.2 (MANE Select); coding-DNA position 4561, C replaced by T.
Protein change: p.Arg1521Trp; replaces arginine 1521 with tryptophan.
Molecular consequence: missense variant.
Genome position (GRCh38, 1-based): chr19:36,105,017, C>T. VCF-style: chr19-36105017-C-T. GRCh37 (hg19) VCF-style: chr19-36595919-C-T.
Other names: c.4546C>T, p.Arg1516Trp (NM_173636.5); short protein forms R1516W, R1521W.
Identifiers: ClinVar variation 1307438 (VCV001307438.4), dbSNP rs748425985, ClinGen allele CA9396607.

ClinVar aggregate classification (germline): Uncertain significance. Review status: criteria provided, multiple submitters, no conflicts (2 of 4 stars). 2 submissions from 2 submitters: Uncertain significance (2). Last evaluated 2020-11-18.

Conditions:
Inborn genetic diseases. Identifiers: MedGen C0950123, MeSH D030342.

Allele frequency attached by ClinVar (database versions not stated): gnomAD 0.00001 and 0.00002; gnomAD exomes 0.00002; TOPMed 0.00002; ExAC 0.00004.
gnomAD v4.1: 42 of 1,599,386 alleles (0.0026%); highest among the groups gnomAD compares: East Asian, 0.016%; no homozygotes.

Submissions (2):

Ambry Genetics
Classification: Uncertain significance for Inborn genetic diseases. Last evaluated: 2020-11-18. Review status: criteria provided, single submitter. Criteria: Ambry Variant Classification Scheme 2023. Collection method: clinical testing. Allele origin: germline.
Comment: The c.4561C>T (p.R1521W) alteration is located in exon 32 (coding exon 32) of the WDR62 gene. This alteration results from a C to T substitution at nucleotide position 4561, causing the arginine (R) at amino acid position 1521 to be replaced by a tryptophan (W). Based on data from the Genome Aggregation Database (gnomAD) database, the WDR62 c.4561C>T alteration was observed in 0.0022% (5/225222) of total alleles studied, with a frequency of 0.0039% (4/102016) in the European (non-Finnish) subpopulation. This amino acid position is not well conserved in available vertebrate species. The p.R1521W alteration is predicted to be tolerated by in silico analysis. Based on insufficient or conflicting evidence, the clinical significance of this alteration remains unclear.

GeneDx
Classification: Uncertain significance. Last evaluated: 2019-08-02. Review status: criteria provided, single submitter. Criteria: GeneDx Variant Classification Process June 2021. Collection method: clinical testing. Allele origin: germline. Affected: yes.
Comment: Not observed at a significant frequency in large population cohorts (Lek et al., 2016); In silico analysis, which includes protein predictors and evolutionary conservation, supports a deleterious effect; Has not been previously published as pathogenic or benign to our knowledge